The following is an entry in ClinVar:

NM_004006.3(DMD):c.8117C>T (p.Thr2706Ile)

Gene: DMD (dystrophin; minus strand). Cytogenetic location: Xp21.1.
Variant type: single nucleotide variant.
Coding change: c.8117C>T on transcript NM_004006.3 (MANE Select); coding-DNA position 8117, C replaced by T.
Protein change: p.Thr2706Ile; replaces threonine 2706 with isoleucine.
Molecular consequence: missense variant.
Genome position (GRCh38, 1-based): chrX:31,627,773, G>A on the plus strand (C>T on the coding strand, the complement: DMD is on the minus strand). VCF-style: chrX-31627773-G-A. GRCh37 (hg19) VCF-style: chrX-31645890-G-A.
Other names: c.8093C>T, p.Thr2698Ile (NM_000109.4); c.8105C>T, p.Thr2702Ile (NM_004009.3); c.7748C>T, p.Thr2583Ile (NM_004010.3); c.4094C>T, p.Thr1365Ile (NM_004011.4); c.4085C>T, p.Thr1362Ile (NM_004012.4); c.737C>T, p.Thr246Ile (NM_004013.3, NM_004020.4, NM_004021.3 and 2 more transcripts); short protein forms T1362I, T1365I, T246I, T2583I, T2698I, T2702I, T2706I.
Identifiers: ClinVar variation 4688396 (VCV004688396.1).
Genomic context (GRCh38, chrX:31,627,773, plus strand): 5'-TCTAGGAGCCTTTCCTTACGGGTAGCATCCTGTAGGACATTGGCAGTTGTTTCAGCTTCT[G>A]TAAGCCAGGCAAGAAACTTTTCCAGGTCCAGGGGGAACTGTTGCAGTAATCTATGAGTTT-3'
Protein context (NP_003997.2, residues 2696-2716): LDLEKFLAWL[Thr2706Ile]EAETTANVLQ

ClinVar aggregate classification (germline): Uncertain significance (1 of 4 stars; one submission).

Submission:

Women's Health and Genetics/Laboratory Corporation of America, LabCorp
Classification: Uncertain significance. Last evaluated: 2025-12-11. Review status: criteria provided, single submitter. Criteria: LabCorp Variant Classification Summary - May 2015. Collection method: clinical testing. Allele origin: germline.
Comment: Variant summary: DMD c.8117C>T (p.Thr2706Ile) results in a non-conservative amino acid change in the encoded protein sequence. Algorithms developed to predict the effect of missense changes on protein structure and function are either unavailable or do not agree on the potential impact of this missense change. The variant was absent in 1211457 control chromosomes. The available data on variant occurrences in the general population are insufficient to allow any conclusion about variant significance. To our knowledge, no occurrence of c.8117C>T in individuals affected with DMD-related conditions and no experimental evidence demonstrating its impact on protein function have been reported. No submitters have cited clinical-significance assessments for this variant to ClinVar. Based on the evidence outlined above, the variant was classified as uncertain significance.